The following is an entry in ClinVar:

NM_001379286.1(ZNF423):c.3812A>G (p.Gln1271Arg)

Gene: ZNF423 (zinc finger protein 423; minus strand). Cytogenetic location: 16q12.1.
Variant type: single nucleotide variant.
Coding change: c.3812A>G on transcript NM_001379286.1 (MANE Select); coding-DNA position 3812, A replaced by G.
Protein change: p.Gln1271Arg; replaces glutamine 1271 with arginine.
Molecular consequence: missense variant.
Genome position (GRCh38, 1-based): chr16:49,523,661, T>C on the plus strand (A>G on the coding strand, the complement: ZNF423 is on the minus strand). VCF-style: chr16-49523661-T-C. GRCh37 (hg19) VCF-style: chr16-49557572-T-C.
Other names: c.3608A>G, p.Gln1203Arg (NM_001271620.2); c.3437A>G, p.Gln1146Arg (NM_001330533.2); c.3788A>G (NM_015069.3); c.3788A>G, p.Gln1263Arg (NM_015069.5); short protein forms Q1203R, Q1271R, Q1263R, Q1146R.
Identifiers: ClinVar variation 1409754 (VCV001409754.9), dbSNP rs2151705854, ClinGen allele CA395830044.

ClinVar aggregate classification (germline): Uncertain significance. Review status: criteria provided, multiple submitters, no conflicts (2 of 4 stars). 3 submissions from 3 submitters: Uncertain significance (2). 1 of the submissions does not count toward it. Last evaluated 2023-12-19.

Conditions:
Nephronophthisis 14 (NPHP14). Identifiers: Orphanet 2318, MedGen C3539071, MONDO:0013916, OMIM 614844.
Optic atrophy. Identifiers: MedGen C0029124, MONDO:0003608, HP:0000648.

gnomAD v4.1: 1 of 1,614,228 alleles (0.000062%); highest among the groups gnomAD compares: Non-Finnish European, 0.000085%; no homozygotes.

Submissions (3):

Revvity Omics, Revvity
Classification: Uncertain significance for Nephronophthisis 14. Last evaluated: 2023-12-19. Review status: criteria provided, single submitter. Criteria: ACMG Guidelines, 2015. Collection method: clinical testing. Allele origin: germline.

Labcorp Genetics (formerly Invitae), Labcorp
Classification: Uncertain significance for Nephronophthisis 14. Last evaluated: 2022-03-10. Review status: criteria provided, single submitter. Criteria: Invitae Variant Classification Sherloc (09022015). Collection method: clinical testing. Allele origin: germline.
Comment: This sequence change replaces glutamine, which is neutral and polar, with arginine, which is basic and polar, at codon 1263 of the ZNF423 protein (p.Gln1263Arg). In summary, the available evidence is currently insufficient to determine the role of this variant in disease. Therefore, it has been classified as a Variant of Uncertain Significance. Algorithms developed to predict the effect of missense changes on protein structure and function (SIFT, PolyPhen-2, Align-GVGD) all suggest that this variant is likely to be tolerated. This variant has not been reported in the literature in individuals affected with ZNF423-related conditions. This variant is not present in population databases (gnomAD no frequency).

Institute of Human Genetics, Univ. Regensburg, Univ. Regensburg
Classification: Uncertain significance for Optic atrophy. Last evaluated: 2022-01-01. Review status: no assertion criteria provided. Criteria: ACMG Guidelines, 2015. Collection method: clinical testing. Allele origin: germline. Affected: yes. Not counted in ClinVar's aggregate classification.